The following is an entry in ClinVar:

ClinVar aggregate classification (germline): Uncertain significance (1 of 4 stars; one submission).

Submission:

GeneDx
Classification: Uncertain significance. Last evaluated: 2023-07-28. Review status: criteria provided, single submitter. Criteria: GeneDx Variant Classification Process June 2021. Collection method: clinical testing. Allele origin: germline. Affected: yes.
Comment: Not observed at significant frequency in large population cohorts (gnomAD); In silico analysis supports that this missense variant does not alter protein structure/function; Has not been previously published as pathogenic or benign to our knowledge

NM_001429.4(EP300):c.6385G>T (p.Ala2129Ser)

Gene: EP300 (E1A binding protein p300; plus strand). Cytogenetic location: 22q13.2.
Variant type: single nucleotide variant.
Coding change: c.6385G>T on transcript NM_001429.4 (MANE Select); coding-DNA position 6385, G replaced by T.
Protein change: p.Ala2129Ser; replaces alanine 2129 with serine.
Molecular consequence: missense variant.
Genome position (GRCh38, 1-based): chr22:41,178,096, G>T. VCF-style: chr22-41178096-G-T. GRCh37 (hg19) VCF-style: chr22-41574100-G-T.
Other names: c.6307G>T, p.Ala2103Ser (NM_001362843.2); short protein forms A2103S, A2129S.
Identifiers: ClinVar variation 3361632 (VCV003361632.1).